The following is an entry in ClinVar:

ClinVar aggregate classification (germline): Uncertain significance (1 of 4 stars; one submission).

Submission:

Labcorp Genetics (formerly Invitae), Labcorp
Classification: Uncertain significance. Last evaluated: 2024-03-09. Review status: criteria provided, single submitter. Criteria: Invitae Variant Classification Sherloc (09022015). Collection method: clinical testing. Allele origin: germline.
Comment: This sequence change falls in intron 20 of the COL4A5 gene. It does not directly change the encoded amino acid sequence of the COL4A5 protein. It affects a nucleotide within the consensus splice site. This variant is not present in population databases (gnomAD no frequency). This variant has not been reported in the literature in individuals affected with COL4A5-related conditions. Variants that disrupt the consensus splice site are a relatively common cause of aberrant splicing (PMID: 17576681, 9536098). Algorithms developed to predict the effect of sequence changes on RNA splicing suggest that this variant is not likely to affect RNA splicing. In summary, the available evidence is currently insufficient to determine the role of this variant in disease. Therefore, it has been classified as a Variant of Uncertain Significance.

Literature cited by the submitters: PubMed 17576681; PubMed 9536098.

NM_033380.3(COL4A5):c.1339+6C>A

Gene: COL4A5 (collagen type IV alpha 5 chain; plus strand). Cytogenetic location: Xq22.3.
Variant type: single nucleotide variant.
Coding change: c.1339+6C>A on transcript NM_033380.3 (MANE Select); 6 bases into the intron after coding-DNA position 1339, C replaced by A.
Molecular consequence: intron variant.
Genome position (GRCh38, 1-based): chrX:108,591,237, C>A. VCF-style: chrX-108591237-C-A. GRCh37 (hg19) VCF-style: chrX-107834467-C-A.
Other names: c.1339+6C>A (NM_000495.5).
Identifiers: ClinVar variation 3645226 (VCV003645226.2).